The following is an entry in ClinVar:

NM_001384732.1(CPLANE1):c.5329G>A (p.Val1777Ile)

Gene: CPLANE1 (ciliogenesis and planar polarity effector complex subunit 1; minus strand). Cytogenetic location: 5p13.2.
Variant type: single nucleotide variant.
Coding change: c.5329G>A on transcript NM_001384732.1 (MANE Select); coding-DNA position 5329, G replaced by A.
Protein change: p.Val1777Ile; replaces valine 1777 with isoleucine.
Molecular consequence: missense variant.
Genome position (GRCh38, 1-based): chr5:37,182,852, C>T on the plus strand (G>A on the coding strand, the complement: CPLANE1 is on the minus strand). VCF-style: chr5-37182852-C-T. GRCh37 (hg19) VCF-style: chr5-37182954-C-T.
Other names: c.5329G>A, p.Val1777Ile (NM_023073.4); short protein forms V1777I.
Identifiers: ClinVar variation 261673 (VCV000261673.36), dbSNP rs142777778, ClinGen allele CA3238572.
Genomic context (GRCh38, chr5:37,182,852, plus strand): 5'-CAAAATAGGGTTGTTCCAAAAGCCATAATGATGTAAGAATGGCAGCTGTAGAGGTCTTTA[C>T]ACGAATTACTGGACTGTACTCAGAGGATGACTCAGTTATACCAGAATCACAGAGTAGCCT-3'
Protein context (NP_001371661.1, residues 1767-1787): SSSEYSPVIR[Val1777Ile]KTSTAAILTS

ClinVar aggregate classification (germline): Benign/Likely benign. Review status: criteria provided, multiple submitters, no conflicts (2 of 4 stars). 10 submissions from 10 submitters: Benign (3); Likely benign (4). 3 of the submissions do not count toward it. Last evaluated 2026-08-01.

Conditions:
Joubert syndrome 17 (JBTS17). Identifiers: Orphanet 475, MedGen C3553264, MONDO:0013824, OMIM 614615.

Allele frequency attached by ClinVar (database versions not stated): gnomAD exomes 0.00088 and 0.00184; ExAC 0.00195; 1000 Genomes Project 0.00419; TOPMed 0.00518; gnomAD 0.00526; 1000 Genomes Project 30x 0.00531; ESP Exome Variant Server 0.00561.
gnomAD v4.1: 2,152 of 1,613,058 alleles (0.13%); highest among the groups gnomAD compares: African/African-American, 1.5%; 12 homozygotes.

Submissions (10):

CeGaT Center for Human Genetics Tuebingen
Classification: Likely benign. Last evaluated: 2026-08-01. Review status: criteria provided, single submitter. Criteria: CeGaT Center For Human Genetics Tuebingen Variant Classification Criteria Version 2. Collection method: clinical testing. Allele origin: germline. Affected: yes. Observed: 2 variant alleles.
Comment: CPLANE1: BP4, BS1

Labcorp Genetics (formerly Invitae), Labcorp
Classification: Benign. Last evaluated: 2026-01-27. Review status: criteria provided, single submitter. Criteria: Invitae Variant Classification Sherloc (09022015). Collection method: clinical testing. Allele origin: germline.

Blueprint Genetics
Classification: Likely benign. Last evaluated: 2024-10-21. Review status: criteria provided, single submitter. Criteria: ACMG Guidelines, 2015. Collection method: clinical testing. Allele origin: germline.

GeneDx
Classification: Benign. Last evaluated: 2019-02-06. Review status: criteria provided, single submitter. Criteria: GeneDx Variant Classification Process June 2021. Collection method: clinical testing. Allele origin: germline. Affected: yes.

Illumina Laboratory Services, Illumina
Classification: Likely benign for Joubert syndrome 17. Last evaluated: 2018-01-12. Review status: criteria provided, single submitter. Criteria: ICSL Variant Classification Criteria 13 December 2019. Collection method: clinical testing. Allele origin: germline.
Comment: This variant was observed in the ICSL laboratory as part of a predisposition screen in an ostensibly healthy population. It had not been previously curated by ICSL or reported in the Human Gene Mutation Database (HGMD: prior to June 1st, 2018), and was therefore a candidate for classification through an automated scoring system. Utilizing variant allele frequency, disease prevalence and penetrance estimates, and inheritance mode, an automated score was calculated to assess if this variant is too frequent to cause the disease. Based on the score and internal cut-off values, a variant classified as likely benign is not then subjected to further curation. The score for this variant resulted in a classification of likely benign for this disease.

Breakthrough Genomics
Classification: Likely benign. Review status: criteria provided, single submitter. Criteria: ACMG Guidelines, 2015. Collection method: not provided. Allele origin: germline. Inheritance: Autosomal recessive inheritance. Affected: yes.

PreventionGenetics, part of Exact Sciences
Classification: Benign. Review status: criteria provided, single submitter. Criteria: ACMG Guidelines, 2015. Collection method: clinical testing. Allele origin: germline.

Clinical Genetics, Academic Medical Center
Classification: Benign. Review status: no assertion criteria provided. Collection method: clinical testing. Allele origin: germline. Affected: yes. Study: VKGL Data-share Consensus. Not counted in ClinVar's aggregate classification.

Genome Diagnostics Laboratory, University Medical Center Utrecht
Classification: Benign. Review status: no assertion criteria provided. Collection method: clinical testing. Allele origin: germline. Affected: yes. Study: VKGL Data-share Consensus. Not counted in ClinVar's aggregate classification.

Laboratory of Diagnostic Genome Analysis, Leiden University Medical Center (LUMC)
Classification: Likely benign. Review status: no assertion criteria provided. Collection method: clinical testing. Allele origin: germline. Affected: yes. Study: VKGL Data-share Consensus. Not counted in ClinVar's aggregate classification.